The following is an entry in ClinVar:

NM_000142.5(FGFR3):c.965A>G (p.Glu322Gly)

Gene: FGFR3 (fibroblast growth factor receptor 3; plus strand). Cytogenetic location: 4p16.3.
Variant type: single nucleotide variant.
Coding change: c.965A>G on transcript NM_000142.5 (MANE Select); coding-DNA position 965, A replaced by G.
Protein change: p.Glu322Gly; replaces glutamic acid 322 with glycine.
Molecular consequence: missense variant. On other transcripts: non-coding transcript variant (1), intron variant (2).
Genome position (GRCh38, 1-based): chr4:1,803,726, A>G. VCF-style: chr4-1803726-A-G. GRCh37 (hg19) VCF-style: chr4-1805453-A-G.
Other names: c.965A>G, p.Glu322Gly (NM_001354809.2, NM_001354810.2); c.1082-604A>G (NM_001163213.2); c.931-1098A>G (NM_022965.4); short protein forms E322G.
Identifiers: ClinVar variation 1315094 (VCV001315094.2), dbSNP rs1281038061, ClinGen allele CA355978180.

ClinVar aggregate classification (germline): Uncertain significance (1 of 4 stars; one submission).

gnomAD v4.1: 2 of 1,613,948 alleles (0.00012%); highest among the groups gnomAD compares: Non-Finnish European, 0.00017%; no homozygotes.

Submission:

GeneDx
Classification: Uncertain significance. Last evaluated: 2020-02-27. Review status: criteria provided, single submitter. Criteria: GeneDx Variant Classification Process June 2021. Collection method: clinical testing. Allele origin: germline. Affected: yes.
Comment: Not observed in large population cohorts (Lek et al., 2016); In silico analysis supports that this missense variant has a deleterious effect on protein structure/function; Has not been previously published as pathogenic or benign to our knowledge